The following is an entry in ClinVar:

NM_001098484.3(SLC4A4):c.2602C>T (p.Pro868Ser)

Gene: SLC4A4 (solute carrier family 4 member 4; plus strand). Cytogenetic location: 4q13.3.
Variant type: single nucleotide variant.
Coding change: c.2602C>T on transcript NM_001098484.3 (MANE Select); coding-DNA position 2602, C replaced by T.
Protein change: p.Pro868Ser; replaces proline 868 with serine.
Molecular consequence: missense variant.
Genome position (GRCh38, 1-based): chr4:71,546,509, C>T. VCF-style: chr4-71546509-C-T. GRCh37 (hg19) VCF-style: chr4-72412226-C-T.
Other names: c.2602C>T, p.Pro868Ser (NM_001134742.2); c.2470C>T, p.Pro824Ser (NM_003759.4); c.2470C>T (NM_003759.3); short protein forms P868S, P824S.
Identifiers: ClinVar variation 2160278 (VCV002160278.4), dbSNP rs753968353, ClinGen allele CA2955142.

ClinVar aggregate classification (germline): Uncertain significance. Review status: criteria provided, multiple submitters, no conflicts (2 of 4 stars). 2 submissions from 2 submitters: Uncertain significance (2). Last evaluated 2022-09-07.

Conditions:
Inborn genetic diseases. Identifiers: MedGen C0950123, MeSH D030342.

Allele frequency attached by ClinVar (database versions not stated): TOPMed below 0.00001; ExAC 0.00001; gnomAD 0.00001.
gnomAD v4.1: 17 of 1,612,166 alleles (0.0011%); highest among the groups gnomAD compares: Admixed American, 0.012%; no homozygotes.

Submissions (2):

Ambry Genetics
Classification: Uncertain significance for Inborn genetic diseases. Last evaluated: 2022-09-07. Review status: criteria provided, single submitter. Criteria: Ambry Variant Classification Scheme 2023. Collection method: clinical testing. Allele origin: germline.

Labcorp Genetics (formerly Invitae), Labcorp
Classification: Uncertain significance. Last evaluated: 2022-07-18. Review status: criteria provided, single submitter. Criteria: Invitae Variant Classification Sherloc (09022015). Collection method: clinical testing. Allele origin: germline.
Comment: In summary, the available evidence is currently insufficient to determine the role of this variant in disease. Therefore, it has been classified as a Variant of Uncertain Significance. Algorithms developed to predict the effect of missense changes on protein structure and function are either unavailable or do not agree on the potential impact of this missense change (SIFT: "Tolerated"; PolyPhen-2: "Probably Damaging"; Align-GVGD: "Class C0"). This variant has not been reported in the literature in individuals affected with SLC4A4-related conditions. This variant is present in population databases (rs753968353, gnomAD 0.02%). This sequence change replaces proline, which is neutral and non-polar, with serine, which is neutral and polar, at codon 824 of the SLC4A4 protein (p.Pro824Ser).